The following is an entry in ClinVar:

NM_001042492.3(NF1):c.2659G>A (p.Ala887Thr)

Gene: NF1 (neurofibromin 1; plus strand). Cytogenetic location: 17q11.2.
Variant type: single nucleotide variant.
Coding change: c.2659G>A on transcript NM_001042492.3 (MANE Select); coding-DNA position 2659, G replaced by A.
Protein change: p.Ala887Thr; replaces alanine 887 with threonine.
Molecular consequence: missense variant.
Genome position (GRCh38, 1-based): chr17:31,229,274, G>A. VCF-style: chr17-31229274-G-A. GRCh37 (hg19) VCF-style: chr17-29556292-G-A.
Other names: c.2659G>A, p.Ala887Thr (NM_000267.4); short protein forms A887T.
Identifiers: ClinVar variation 457595 (VCV000457595.20), dbSNP rs1251621684, ClinGen allele CA398984779.

ClinVar aggregate classification (germline): Conflicting classifications of pathogenicity. Review status: criteria provided, conflicting classifications (1 of 4 stars). 8 submissions from 8 submitters: Uncertain significance (6); Benign (1); Likely benign (1). Last evaluated 2025-07-31.

Conditions:
Cardiovascular phenotype. Identifiers: MedGen CN230736.
Hereditary cancer-predisposing syndrome. Also called: Hereditary Cancer Syndrome; Hereditary neoplastic syndrome; Tumor predisposition; Neoplastic Syndromes, Hereditary. Identifiers: Orphanet 140162, MedGen C0027672, MeSH D009386, MONDO:0015356.
Neurofibromatosis, type 1 (NF1). Also called: VON RECKLINGHAUSEN DISEASE; NEUROFIBROMATOSIS, TYPE I, SOMATIC; Peripheral type neurofibromatosis; Neurofibromatosis, type I. Identifiers: Orphanet 636, MedGen C0027831, MONDO:0018975, OMIM 162200. Disease mechanism: loss of function.
Café-au-lait macules with pulmonary stenosis (WTSN). Also called: PULMONIC STENOSIS WITH CAFE-AU-LAIT SPOTS. Identifiers: MedGen C0553586, MONDO:0008672, OMIM 193520.
Juvenile myelomonocytic leukemia (JMML). Also called: LEUKEMIA, JUVENILE MYELOMONOCYTIC, SOMATIC. Identifiers: Orphanet 86834, MedGen C0349639, MONDO:0011908, OMIM 607785, HP:0012209.
Neurofibromatosis-Noonan syndrome (NFNS). Also called: NEUROFIBROMATOSIS WITH NOONAN PHENOTYPE. Identifiers: Orphanet 638, MedGen C2931482, MONDO:0011035, OMIM 601321. Disease mechanism: loss of function.
Neurofibromatosis, familial spinal (FSNF). Identifiers: Orphanet 636, MedGen C1834235, MONDO:0008078, OMIM 162210. Disease mechanism: loss of function.

Allele frequency attached by ClinVar (database versions not stated): gnomAD 0.00001; TOPMed 0.00001.
gnomAD v4.1: 3 of 1,613,508 alleles (0.00019%); highest among the groups gnomAD compares: Admixed American, 0.0017%; no homozygotes.

Submissions (8):

Labcorp Genetics (formerly Invitae), Labcorp
Classification: Benign for Neurofibromatosis, type 1. Last evaluated: 2025-07-31. Review status: criteria provided, single submitter. Criteria: Invitae Variant Classification Sherloc (09022015). Collection method: clinical testing. Allele origin: germline.

ARUP Laboratories, Molecular Genetics and Genomics, ARUP Laboratories
Classification: Uncertain significance. Last evaluated: 2024-09-12. Review status: criteria provided, single submitter. Criteria: ARUP Molecular Germline Variant Investigation Process 2024. Collection method: clinical testing. Allele origin: germline.
Comment: The NF1 c.2659G>A; p.Ala887Thr variant (rs1251621684), to our knowledge, is not reported in the medical literature but is reported in ClinVar (Variation ID: 457595). This variant is absent from the Genome Aggregation Database (v2.1.1), indicating it is not a common polymorphism. Computational analyses are uncertain whether this variant is neutral or deleterious (REVEL: 0.161). Due to limited information, the clinical significance of this variant is uncertain at this time.

Fulgent Genetics
Classification: Uncertain significance for Neurofibromatosis, type 1; Neurofibromatosis, familial spinal; Café-au-lait macules with pulmonary stenosis; Neurofibromatosis-Noonan syndrome; Juvenile myelomonocytic leukemia. Last evaluated: 2024-04-19. Review status: criteria provided, single submitter. Criteria: ACMG Guidelines, 2015. Collection method: clinical testing. Allele origin: germline.

Baylor Genetics
Classification: Uncertain significance for Juvenile myelomonocytic leukemia. Last evaluated: 2023-10-03. Review status: criteria provided, single submitter. Criteria: ACMG Guidelines, 2015. Collection method: clinical testing. Allele origin: unknown.

Ambry Genetics
Classification: Likely benign for Cardiovascular phenotype; Hereditary cancer-predisposing syndrome. Last evaluated: 2022-05-30. Review status: criteria provided, single submitter. Criteria: Ambry Variant Classification Scheme 2023. Collection method: clinical testing. Allele origin: germline.

Mendelics
Classification: Uncertain significance. Last evaluated: 2022-05-04. Review status: criteria provided, single submitter. Criteria: Mendelics Assertion Criteria 2019. Collection method: clinical testing. Allele origin: germline.

Genome-Nilou Lab
Classification: Uncertain significance for Neurofibromatosis, type 1. Last evaluated: 2022-03-15. Review status: criteria provided, single submitter. Criteria: ACMG Guidelines, 2015. Collection method: clinical testing. Allele origin: germline. Affected: no.

GeneDx
Classification: Uncertain significance. Last evaluated: 2020-03-26. Review status: criteria provided, single submitter. Criteria: GeneDx Variant Classification Process June 2021. Collection method: clinical testing. Allele origin: germline. Affected: yes.
Comment: Not observed in large population cohorts (Lek 2016); In silico analysis supports that this missense variant does not alter protein structure/function; Has not been previously published as pathogenic or benign to our knowledge